The following is an entry in ClinVar:

NM_130384.3(ATRIP):c.60del (p.Gly21fs)

Genes: ATRIP (ATR interacting protein; plus strand), ATRIP-TREX1 (ATRIP-TREX1 readthrough; plus strand), LOC129936703 (ATAC-STARR-seq lymphoblastoid silent region 14331; plus strand). Cytogenetic location: 3p21.31.
Variant type: Deletion.
Coding change: c.60del on transcript NM_130384.3 (MANE Select); coding-DNA position 60, one base deleted (C; older notation c.60delC).
Protein change: p.Gly21fs; shifts the reading frame from glycine 21.
Molecular consequence: frameshift variant. On other transcripts: non-coding transcript variant (1), intron variant (1).
Genome position (GRCh38, 1-based): chr3:48,446,905, C deleted; the last of 4 consecutive C bases (chr3:48,446,902-48,446,905); deleting any one gives the same sequence. VCF-style (leftmost placement, unchanged base first): chr3-48446901-GC-G. GRCh37 (hg19) VCF-style: chr3-48488305-GC-G.
Other names: c.60del, p.Gly21fs (NM_032166.4); c.-218+106del (NM_001271022.2); short protein forms G21fs.
Identifiers: ClinVar variation 3810423 (VCV003810423.1).

ClinVar aggregate classification (germline): Uncertain significance (1 of 4 stars; one submission).

Submission:

Ambry Genetics
Classification: Uncertain significance. Last evaluated: 2025-02-10. Review status: criteria provided, single submitter. Criteria: Ambry Variant Classification Scheme 2023. Collection method: clinical testing. Allele origin: germline.
Comment: The c.60delC variant, located in coding exon 1 of the ATRIP gene, results from a deletion of one nucleotide at nucleotide position 60, causing a translational frameshift with a predicted alternate stop codon (p.G21Afs*51). This alteration is expected to result in loss of function by premature protein truncation or nonsense-mediated mRNA decay. The evidence for this gene-disease relationship is limited; therefore, the clinical significance of this alteration is unclear.